The following is an entry in ClinVar:

NM_006502.3(POLH):c.*3250G>A

Gene: POLH (DNA polymerase eta; plus strand). Cytogenetic location: 6p21.1.
Variant type: single nucleotide variant.
Coding change: c.*3250G>A on transcript NM_006502.3 (MANE Select); 3250 bases downstream of the stop codon, G replaced by A.
Molecular consequence: 3 prime UTR variant.
Genome position (GRCh38, 1-based): chr6:43,617,807, G>A. VCF-style: chr6-43617807-G-A. GRCh37 (hg19) VCF-style: chr6-43585544-G-A.
Other names: c.*3250G>A (NM_001291969.2); c.*4076G>A (NM_001291970.2).
Identifiers: ClinVar variation 911949 (VCV000911949.4), dbSNP rs183729246, ClinGen allele CA138308815.
Genomic context (GRCh38, chr6:43,617,807, plus strand): 5'-GTGAAACCCCGTCTCTACTGAAAATACAACTGGGCGTGGTGGTGCACGCCTGTAGTCCCA[G>A]CTACTTGGGAGGCTGAGGCAGAAGAATTGCTTGACCTGGGAGGCGGAGCTTGCAGTGAGC-3'

ClinVar aggregate classification (germline): Likely benign (1 of 4 stars; one submission).

Conditions:
Xeroderma pigmentosum variant type. Also called: PHOTOSENSITIVITY WITH DEFECTIVE DNA SYNTHESIS; XERODERMA PIGMENTOSUM WITH NORMAL DNA REPAIR RATES; POLH-Related Xeroderma Pigmentosum. Identifiers: Orphanet 90342, MedGen C1848410, MONDO:0010214, OMIM 278750.

Allele frequency attached by ClinVar (database versions not stated): TOPMed 0.00102; gnomAD 0.00104 and 0.00114; 1000 Genomes Project 30x 0.00172; 1000 Genomes Project 0.00220.
gnomAD v4.1: 173 of 152,202 alleles (0.11%); highest among the groups gnomAD compares: South Asian, 0.43%; no homozygotes.

Submission:

Illumina Laboratory Services, Illumina
Classification: Likely benign for Xeroderma pigmentosum variant type. Last evaluated: 2018-01-13. Review status: criteria provided, single submitter. Criteria: ICSL Variant Classification Criteria 13 December 2019. Collection method: clinical testing. Allele origin: germline.
Comment: This variant was observed in the ICSL laboratory as part of a predisposition screen in an ostensibly healthy population. It had not been previously curated by ICSL or reported in the Human Gene Mutation Database (HGMD: prior to June 1st, 2018), and was therefore a candidate for classification through an automated scoring system. Utilizing variant allele frequency, disease prevalence and penetrance estimates, and inheritance mode, an automated score was calculated to assess if this variant is too frequent to cause the disease. Based on the score and internal cut-off values, a variant classified as likely benign is not then subjected to further curation. The score for this variant resulted in a classification of likely benign for this disease.